The following is an entry in ClinVar:

NM_000159.4(GCDH):c.325A>G (p.Thr109Ala)

Gene: GCDH (glutaryl-CoA dehydrogenase; plus strand). Cytogenetic location: 19p13.13.
Variant type: single nucleotide variant.
Coding change: c.325A>G on transcript NM_000159.4 (MANE Select); coding-DNA position 325, A replaced by G.
Protein change: p.Thr109Ala; replaces threonine 109 with alanine.
Molecular consequence: missense variant. On other transcripts: non-coding transcript variant (1).
Genome position (GRCh38, 1-based): chr19:12,892,169, A>G. VCF-style: chr19-12892169-A-G. GRCh37 (hg19) VCF-style: chr19-13002983-A-G.
Other names: c.325A>G (NM_000159.2); c.325A>G, p.Thr109Ala (NM_013976.5); short protein forms T109A.
Identifiers: ClinVar variation 958377 (VCV000958377.12), dbSNP rs1419527696, ClinGen allele CA404316083.
Genomic context (GRCh38, chr19:12,892,169, plus strand): 5'-TTTGCAGTTTTTCATCGGGAGATCATTTCGGAGATGGGGGAGTTGGGTGTGCTGGGCCCC[A>G]CCATCAAAGGTAGGAACAAGTATCTCTCCACACACTGCAGAACCCTCTGTATTCTGAAAG-3'
Protein context (NP_000150.1, residues 99-119): EMGELGVLGP[Thr109Ala]IKGYGCAGVS

ClinVar aggregate classification (germline): Uncertain significance. Review status: criteria provided, multiple submitters, no conflicts (2 of 4 stars). 3 submissions from 3 submitters: Uncertain significance (3). Last evaluated 2025-09-18.

Conditions:
Glutaric aciduria, type 1. Also called: Glutaryl-CoA dehydrogenase deficiency; Glutaric Acidemia Type 1; Glutaric acidemia type I; Glutaricacidemia Type 1; GA I; Glutaricaciduria, type I. Identifiers: Orphanet 25, MedGen C0268595, MONDO:0009281, OMIM 231670.
Inborn genetic diseases. Identifiers: MedGen C0950123, MeSH D030342.

Allele frequency attached by ClinVar (database versions not stated): gnomAD exomes below 0.00001; TOPMed below 0.00001; gnomAD 0.00001.
gnomAD v4.1: 2 of 1,613,820 alleles (0.00012%); highest among the groups gnomAD compares: East Asian, 0.0022%; no homozygotes.

Submissions (3):

Myriad Genetics, Inc.
Classification: Uncertain significance for Glutaric aciduria, type 1. Last evaluated: 2025-09-18. Review status: criteria provided, single submitter. Criteria: Myriad Autosomal Dominant, Autosomal Recessive and X-Linked Classification Criteria (2023). Collection method: clinical testing. Allele origin: unknown.
Comment: NM_000159.2(GCDH):c.325A>G(T109A) is a missense variant classified as a variant of uncertain significance in the context of glutaric acidemia, GCDH-related. T109A has not been observed in cases with relevant disease. Relevant functional assessments of this variant are not available in the literature. T109A has been observed in referenced population frequency databases. In summary, there is insufficient evidence to classify NM_000159.2(GCDH):c.325A>G(T109A) as pathogenic or benign. Please note: this variant was assessed in the context of healthy population screening.

Ambry Genetics
Classification: Uncertain significance for Inborn genetic diseases. Last evaluated: 2023-04-13. Review status: criteria provided, single submitter. Criteria: Ambry Variant Classification Scheme 2023. Collection method: clinical testing. Allele origin: germline.

Labcorp Genetics (formerly Invitae), Labcorp
Classification: Uncertain significance for Glutaric aciduria, type 1. Last evaluated: 2019-10-28. Review status: criteria provided, single submitter. Criteria: Invitae Variant Classification Sherloc (09022015). Collection method: clinical testing. Allele origin: germline.
Comment: This sequence change replaces threonine with alanine at codon 109 of the GCDH protein (p.Thr109Ala). The threonine residue is highly conserved and there is a small physicochemical difference between threonine and alanine. This variant is not present in population databases (ExAC no frequency). This variant has not been reported in the literature in individuals with GCDH-related conditions. Algorithms developed to predict the effect of missense changes on protein structure and function are either unavailable or do not agree on the potential impact of this missense change (SIFT: "Deleterious"; PolyPhen-2: "Benign"; Align-GVGD: "Class C0"). In summary, the available evidence is currently insufficient to determine the role of this variant in disease. Therefore, it has been classified as a Variant of Uncertain Significance.